The following is an entry in ClinVar:

ClinVar aggregate classification (germline): Uncertain significance (1 of 4 stars; one submission).

Submission:

GeneDx
Classification: Uncertain significance. Last evaluated: 2024-05-25. Review status: criteria provided, single submitter. Criteria: GeneDx Variant Classification Process June 2021. Collection method: clinical testing. Allele origin: germline. Affected: yes.
Comment: Not observed at significant frequency in large population cohorts (gnomAD); In silico analysis indicates that this missense variant does not alter protein structure/function; Has not been previously published as pathogenic or benign to our knowledge

NM_001378418.1(TCF20):c.2774G>A (p.Ser925Asn)

Gene: TCF20 (transcription factor 20; minus strand). Cytogenetic location: 22q13.2.
Variant type: single nucleotide variant.
Coding change: c.2774G>A on transcript NM_001378418.1 (MANE Select); coding-DNA position 2774, G replaced by A.
Protein change: p.Ser925Asn; replaces serine 925 with asparagine.
Molecular consequence: missense variant.
Genome position (GRCh38, 1-based): chr22:42,212,532, C>T on the plus strand (G>A on the coding strand, the complement: TCF20 is on the minus strand). VCF-style: chr22-42212532-C-T. GRCh37 (hg19) VCF-style: chr22-42608538-C-T.
Other names: c.2774G>A, p.Ser925Asn (NM_005650.4, NM_181492.3); short protein forms S925N.
Identifiers: ClinVar variation 3381368 (VCV003381368.1).